The following is an entry in ClinVar:

NM_001966.4(EHHADH):c.77C>T (p.Thr26Met)

Gene: EHHADH (enoyl-CoA hydratase and 3-hydroxyacyl CoA dehydrogenase; minus strand). Cytogenetic location: 3q27.2.
Variant type: single nucleotide variant.
Coding change: c.77C>T on transcript NM_001966.4 (MANE Select); coding-DNA position 77, C replaced by T.
Protein change: p.Thr26Met; replaces threonine 26 with methionine.
Molecular consequence: missense variant. On other transcripts: 5 prime UTR variant (1).
Genome position (GRCh38, 1-based): chr3:185,248,515, G>A on the plus strand (C>T on the coding strand, the complement: EHHADH is on the minus strand). VCF-style: chr3-185248515-G-A. GRCh37 (hg19) VCF-style: chr3-184966303-G-A.
Other names: p.Thr26Met; c.-212C>T (NM_001166415.2); c.77C>T (NM_001966.3); short protein forms T26M.
Identifiers: ClinVar variation 595864 (VCV000595864.10), dbSNP rs138013408, ClinGen allele CA2739327.

ClinVar aggregate classification (germline): Conflicting classifications of pathogenicity. Review status: criteria provided, conflicting classifications (1 of 4 stars). 4 submissions from 4 submitters: Uncertain significance (2); Likely benign (1). 1 of the submissions does not count toward it. Last evaluated 2024-10-24.

Conditions:
EHHADH-related disorder. Also called: EHHADH-related condition.

Allele frequency attached by ClinVar (database versions not stated): gnomAD 0.00019; TOPMed 0.00023.
gnomAD v4.1: 139 of 1,598,250 alleles (0.0087%); highest among the groups gnomAD compares: African/African-American, 0.077%; no homozygotes.

Submissions (4):

Mayo Clinic Laboratories, Mayo Clinic
Classification: Uncertain significance. Last evaluated: 2024-10-24. Review status: criteria provided, single submitter. Criteria: ACMG Guidelines, 2015. Collection method: clinical testing. Allele origin: germline. Observed: 1 variant allele.
Comment: BP4

Ambry Genetics
Classification: Likely benign. Last evaluated: 2022-09-27. Review status: criteria provided, single submitter. Criteria: Ambry Variant Classification Scheme 2023. Collection method: clinical testing. Allele origin: germline.

Eurofins Ntd Llc (ga)
Classification: Uncertain significance. Last evaluated: 2018-01-25. Review status: criteria provided, single submitter. Criteria: EGL Classification Definitions 2015. Collection method: clinical testing. Allele origin: germline. Observed: 1 variant allele, 1 heterozygote.

PreventionGenetics, part of Exact Sciences
Classification: Likely benign for EHHADH-related condition. Last evaluated: 2022-03-15. Review status: no assertion criteria provided. Collection method: clinical testing. Allele origin: germline. Not counted in ClinVar's aggregate classification.
Comment: This variant is classified as likely benign based on ACMG/AMP sequence variant interpretation guidelines (Richards et al. 2015 PMID: 25741868, with internal and published modifications).